The following is an entry in ClinVar:

ClinVar aggregate classification (germline): Conflicting classifications of pathogenicity. Review status: criteria provided, conflicting classifications (1 of 4 stars). 4 submissions from 4 submitters: Pathogenic (2); Uncertain significance (1). 1 of the submissions does not count toward it. Last evaluated 2025-04-15.

Conditions:
Griscelli syndrome type 3 (GS3). Identifiers: Orphanet 381, Orphanet 79478, MedGen C1836573, MONDO:0012220, OMIM 609227.

Allele frequency attached by ClinVar (database versions not stated): gnomAD 0.00002; ExAC 0.00003; gnomAD exomes 0.00003; TOPMed 0.00003; ESP Exome Variant Server 0.00008.
gnomAD v4.1: 36 of 1,613,894 alleles (0.0022%); highest among the groups gnomAD compares: South Asian, 0.0066%; no homozygotes.

Submissions (4):

GeneDx
Classification: Uncertain significance. Last evaluated: 2025-04-15. Review status: criteria provided, single submitter. Criteria: GeneDx Variant Classification Process June 2021. Collection method: clinical testing. Allele origin: germline. Affected: yes.
Comment: Nonsense variant predicted to result in protein truncation or nonsense mediated decay in a gene or region of a gene for which loss of function is not a well-established mechanism of disease; This variant is associated with the following publications: (PMID: 32864751)

Labcorp Genetics (formerly Invitae), Labcorp
Classification: Pathogenic. Last evaluated: 2024-10-29. Review status: criteria provided, single submitter. Criteria: Invitae Variant Classification Sherloc (09022015). Collection method: clinical testing. Allele origin: germline.
Comment: This sequence change creates a premature translational stop signal (p.Arg24*) in the MLPH gene. It is expected to result in an absent or disrupted protein product. Loss-of-function variants in MLPH are known to be pathogenic (PMID: 22711375, 32864751). This variant is present in population databases (rs140470472, gnomAD 0.01%). This premature translational stop signal has been observed in individual(s) with Griscelli syndrome (PMID: 32864751). ClinVar contains an entry for this variant (Variation ID: 636328). For these reasons, this variant has been classified as Pathogenic.

Revvity Omics, Revvity
Classification: Pathogenic for Griscelli syndrome type 3. Last evaluated: 2022-06-29. Review status: criteria provided, single submitter. Criteria: ACMG Guidelines, 2015. Collection method: clinical testing. Allele origin: germline.

Institute of Human Genetics, University of Ulm
Classification: Pathogenic for Griscelli syndrome type 3. Last evaluated: 2018-01-08. Review status: no assertion criteria provided. Collection method: research. Allele origin: germline. Inheritance: Autosomal recessive inheritance. Affected: yes. Observed: 1 variant allele, 1 homozygote. Not counted in ClinVar's aggregate classification.

Literature cited by the submitters: PubMed 22711375 (cited by Labcorp Genetics (formerly Invitae), Labcorp); PubMed 32864751 (cited by Labcorp Genetics (formerly Invitae), Labcorp).

NM_024101.7(MLPH):c.70C>T (p.Arg24Ter)

Gene: MLPH (melanophilin; plus strand). Cytogenetic location: 2q37.3.
Variant type: single nucleotide variant.
Coding change: c.70C>T on transcript NM_024101.7 (MANE Select); coding-DNA position 70, C replaced by T.
Protein change: p.Arg24Ter; replaces arginine 24 with a stop codon.
Molecular consequence: nonsense. On other transcripts: non-coding transcript variant (1).
Genome position (GRCh38, 1-based): chr2:237,493,496, C>T. VCF-style: chr2-237493496-C-T. GRCh37 (hg19) VCF-style: chr2-238402139-C-T.
Other names: c.70C>T, p.Arg24Ter (NM_001042467.3, NM_001281473.2, NM_001281474.2); c.70C>T (NM_024101.6); short protein forms R24*.
Identifiers: ClinVar variation 636328 (VCV000636328.10), dbSNP rs140470472, ClinGen allele CA2190029.